The following is an entry in ClinVar:

NM_024642.5(GALNT12):c.1324A>G (p.Arg442Gly)

Gene: GALNT12 (polypeptide N-acetylgalactosaminyltransferase 12; plus strand). Cytogenetic location: 9q22.33.
Variant type: single nucleotide variant.
Coding change: c.1324A>G on transcript NM_024642.5 (MANE Select); coding-DNA position 1324, A replaced by G.
Protein change: p.Arg442Gly; replaces arginine 442 with glycine.
Molecular consequence: missense variant.
Genome position (GRCh38, 1-based): chr9:98,840,113, A>G. VCF-style: chr9-98840113-A-G. GRCh37 (hg19) VCF-style: chr9-101602395-A-G.
Other names: short protein forms R442G.
Identifiers: ClinVar variation 5022161 (VCV005022161.1).

ClinVar aggregate classification (germline): Uncertain significance (1 of 4 stars; one submission).

gnomAD v4.1: 1 of 1,613,802 alleles (0.000062%); highest among the groups gnomAD compares: African/African-American, 0.0013%; no homozygotes.

Submission:

Ambry Genetics
Classification: Uncertain significance. Last evaluated: 2026-09-12. Review status: criteria provided, single submitter. Criteria: Ambry Variant Classification Scheme 2023. Collection method: clinical testing. Allele origin: germline.
Comment: The p.R442G variant (also known as c.1324A>G), located in coding exon 7 of the GALNT12 gene, results from an A to G substitution at nucleotide position 1324. The arginine at codon 442 is replaced by glycine, an amino acid with dissimilar properties. This amino acid position is conserved. In addition, this alteration is predicted to be tolerated by in silico analysis. Based on the available evidence, the clinical significance of this variant remains unclear.